The following is an entry in ClinVar:

NM_006531.5(IFT88):c.305G>A (p.Gly102Asp)

Gene: IFT88 (intraflagellar transport 88; plus strand). Cytogenetic location: 13q12.11.
Variant type: single nucleotide variant.
Coding change: c.305G>A on transcript NM_006531.5 (MANE Select); coding-DNA position 305, G replaced by A.
Protein change: p.Gly102Asp; replaces glycine 102 with aspartic acid.
Molecular consequence: missense variant. On other transcripts: 5 prime UTR variant (1), non-coding transcript variant (5).
Genome position (GRCh38, 1-based): chr13:20,591,658, G>A. VCF-style: chr13-20591658-G-A. GRCh37 (hg19) VCF-style: chr13-21165797-G-A.
Other names: c.248G>A, p.Gly83Asp (NM_001318491.2, NM_001353573.2, NM_001353574.2 and 1 more transcripts); c.332G>A, p.Gly111Asp (NM_001318493.2, NM_001353565.2, NM_001353566.2 and 6 more transcripts); c.305G>A, p.Gly102Asp (NM_001353568.2, NM_001353571.2, NM_001353572.2 and 1 more transcripts); c.-259G>A (NM_001353579.2); short protein forms G102D, G111D, G83D.
Identifiers: ClinVar variation 2849992 (VCV002849992.3), dbSNP rs1209645668, ClinGen allele CA387471798.

ClinVar aggregate classification (germline): Uncertain significance (1 of 4 stars; one submission).

Allele frequency attached by ClinVar (database versions not stated): gnomAD 0.00001; TOPMed 0.00001.
gnomAD v4.1: 1 of 1,612,262 alleles (0.000062%); highest among the groups gnomAD compares: African/African-American, 0.0013%; no homozygotes.

Submission:

Labcorp Genetics (formerly Invitae), Labcorp
Classification: Uncertain significance. Last evaluated: 2023-10-13. Review status: criteria provided, single submitter. Criteria: Invitae Variant Classification Sherloc (09022015). Collection method: clinical testing. Allele origin: germline.
Comment: This sequence change replaces glycine, which is neutral and non-polar, with aspartic acid, which is acidic and polar, at codon 111 of the IFT88 protein (p.Gly111Asp). This variant is not present in population databases (gnomAD no frequency). This variant has not been reported in the literature in individuals affected with IFT88-related conditions. An algorithm developed to predict the effect of missense changes on protein structure and function (PolyPhen-2) suggests that this variant is likely to be disruptive. In summary, the available evidence is currently insufficient to determine the role of this variant in disease. Therefore, it has been classified as a Variant of Uncertain Significance.